The following is an entry in ClinVar:

ClinVar aggregate classification (germline): Pathogenic (1 of 4 stars; one submission).

Allele frequency attached by ClinVar (database versions not stated): ExAC 0.00002.
gnomAD v4.1: 10 of 1,610,806 alleles (0.00062%); highest among the groups gnomAD compares: South Asian, 0.011%; 1 homozygote.

Submission:

Labcorp Genetics (formerly Invitae), Labcorp
Classification: Pathogenic. Last evaluated: 2023-01-21. Review status: criteria provided, single submitter. Criteria: Invitae Variant Classification Sherloc (09022015). Collection method: clinical testing. Allele origin: germline.
Comment: For these reasons, this variant has been classified as Pathogenic. This variant has not been reported in the literature in individuals affected with OTOGL-related conditions. This variant is present in population databases (rs766969718, gnomAD 0.01%). This sequence change creates a premature translational stop signal (p.Trp1757*) in the OTOGL gene. It is expected to result in an absent or disrupted protein product. Loss-of-function variants in OTOGL are known to be pathogenic (PMID: 23122586).

Literature cited by the submitters: PubMed 23122586.

NM_001378609.3(OTOGL):c.5297G>A (p.Trp1766Ter)

Gene: OTOGL (otogelin like; plus strand). Cytogenetic location: 12q21.31.
Variant type: single nucleotide variant.
Coding change: c.5297G>A on transcript NM_001378609.3 (MANE Select); coding-DNA position 5297, G replaced by A.
Protein change: p.Trp1766Ter; replaces tryptophan 1766 with a stop codon.
Molecular consequence: nonsense.
Genome position (GRCh38, 1-based): chr12:80,352,326, G>A. VCF-style: chr12-80352326-G-A. GRCh37 (hg19) VCF-style: chr12-80746106-G-A.
Other names: c.5162G>A, p.Trp1721Ter (NM_001368062.3); c.5297G>A, p.Trp1766Ter (NM_001378610.3, NM_173591.7); short protein forms W1766*, W1721*.
Identifiers: ClinVar variation 2991531 (VCV002991531.3), dbSNP rs766969718, ClinGen allele CA6701673.